The following is an entry in ClinVar:

NM_139057.4(ADAMTS17):c.1690C>T (p.Arg564Cys)

Genes: ADAMTS17 (ADAM metallopeptidase with thrombospondin type 1 motif 17; minus strand), LOC130058037 (ATAC-STARR-seq lymphoblastoid active region 10166; plus strand). Cytogenetic location: 15q26.3.
Variant type: single nucleotide variant.
Coding change: c.1690C>T on transcript NM_139057.4 (MANE Select); coding-DNA position 1690, C replaced by T.
Protein change: p.Arg564Cys; replaces arginine 564 with cysteine.
Molecular consequence: missense variant.
Genome position (GRCh38, 1-based): chr15:100,132,038, G>A on the plus strand (C>T on the coding strand, the complement: ADAMTS17 is on the minus strand). VCF-style: chr15-100132038-G-A. GRCh37 (hg19) VCF-style: chr15-100672243-G-A.
Other names: short protein forms R564C.
Identifiers: ClinVar variation 2065127 (VCV002065127.2), dbSNP rs1292743986, ClinGen allele CA393933545.
Genomic context (GRCh38, chr15:100,132,038, plus strand): 5'-GTTGGGGTATGGCTGGTCAGGGGACTTACGGGGGGTTGTCACATTTCCTCTGCCTGAAGC[G>A]GGCTCCCGTCCCACATGTTCGGCTGCACATGCTCCAGGCGCCCCACGGGCTCCAGTCTCC-3'
Protein context (NP_620688.2, residues 554-574): MCSRTCGTGA[Arg564Cys]FRQRKCDNPP

ClinVar aggregate classification (germline): Uncertain significance. Review status: criteria provided, multiple submitters, no conflicts (2 of 4 stars). 2 submissions from 2 submitters: Uncertain significance (2). Last evaluated 2022-07-01.

Allele frequency attached by ClinVar (database versions not stated): gnomAD 0.00001; gnomAD exomes 0.00001; TOPMed 0.00002.
gnomAD v4.1: 16 of 1,613,886 alleles (0.00099%); highest among the groups gnomAD compares: Middle Eastern, 0.033%; no homozygotes.

Submissions (2):

Labcorp Genetics (formerly Invitae), Labcorp
Classification: Uncertain significance. Last evaluated: 2022-07-01. Review status: criteria provided, single submitter. Criteria: Invitae Variant Classification Sherloc (09022015). Collection method: clinical testing. Allele origin: germline.
Comment: This sequence change replaces arginine, which is basic and polar, with cysteine, which is neutral and slightly polar, at codon 564 of the ADAMTS17 protein (p.Arg564Cys). This variant is not present in population databases (gnomAD no frequency). This variant has not been reported in the literature in individuals affected with ADAMTS17-related conditions. Algorithms developed to predict the effect of missense changes on protein structure and function are either unavailable or do not agree on the potential impact of this missense change (SIFT: "Not Available"; PolyPhen-2: "Probably Damaging"; Align-GVGD: "Not Available"). In summary, the available evidence is currently insufficient to determine the role of this variant in disease. Therefore, it has been classified as a Variant of Uncertain Significance.

Breakthrough Genomics
Classification: Uncertain significance. Review status: criteria provided, single submitter. Criteria: ACMG Guidelines, 2015. Collection method: not provided. Allele origin: germline. Inheritance: Autosomal recessive inheritance. Affected: yes.